The following is an entry in ClinVar:

ClinVar aggregate classification (germline): Uncertain significance (1 of 4 stars; one submission).

Conditions:
Neurofibromatosis, type 1 (NF1). Also called: Neurofibromatosis, type I; VON RECKLINGHAUSEN DISEASE; Peripheral type neurofibromatosis; NEUROFIBROMATOSIS, TYPE I, SOMATIC. Identifiers: Orphanet 636, MedGen C0027831, MONDO:0018975, OMIM 162200. Disease mechanism: loss of function.

Submission:

Labcorp Genetics (formerly Invitae), Labcorp
Classification: Uncertain significance for Neurofibromatosis, type 1. Last evaluated: 2022-11-18. Review status: criteria provided, single submitter. Criteria: Invitae Variant Classification Sherloc (09022015). Collection method: clinical testing. Allele origin: germline.
Comment: Advanced modeling of protein sequence and biophysical properties (such as structural, functional, and spatial information, amino acid conservation, physicochemical variation, residue mobility, and thermodynamic stability) has been performed at Invitae for this missense variant, however the output from this modeling did not meet the statistical confidence thresholds required to predict the impact of this variant on NF1 protein function. ClinVar contains an entry for this variant (Variation ID: 863359). This variant has not been reported in the literature in individuals affected with NF1-related conditions. This variant is not present in population databases (gnomAD no frequency). This sequence change replaces serine, which is neutral and polar, with proline, which is neutral and non-polar, at codon 2781 of the NF1 protein (p.Ser2781Pro). In summary, the available evidence is currently insufficient to determine the role of this variant in disease. Therefore, it has been classified as a Variant of Uncertain Significance.

NM_001042492.3(NF1):c.8404T>C (p.Ser2802Pro)

Gene: NF1 (neurofibromin 1; plus strand). Cytogenetic location: 17q11.2.
Variant type: single nucleotide variant.
Coding change: c.8404T>C on transcript NM_001042492.3 (MANE Select); coding-DNA position 8404, T replaced by C.
Protein change: p.Ser2802Pro; replaces serine 2802 with proline.
Molecular consequence: missense variant.
Genome position (GRCh38, 1-based): chr17:31,374,039, T>C. VCF-style: chr17-31374039-T-C. GRCh37 (hg19) VCF-style: chr17-29701057-T-C.
Other names: c.8341T>C, p.Ser2781Pro (NM_000267.4); short protein forms S2781P, S2802P.
Identifiers: ClinVar variation 863359 (VCV000863359.6), dbSNP rs1597883017, ClinGen allele CA399205905.
Genomic context (GRCh38, chr17:31,374,039, plus strand): 5'-AGAAGAAGTAACTGGCTGTTCTCTTTTTCTCCAGGAATCGACAAGGAGAACGTTGAACTC[T>C]CCCCTACCACTGGCCACTGTAACAGTGGACGAACTCGCCACGGATCCGCAAGCCAAGTGC-3'
Protein context (NP_001035957.1, residues 2792-2812): PGIDKENVEL[Ser2802Pro]PTTGHCNSGR